The following is an entry in ClinVar:

ClinVar aggregate classification (germline): Likely benign (1 of 4 stars; one submission).

Conditions:
JARID2-related disorder. Also called: JARID2-related condition.

gnomAD v4.1: 781 of 1,613,964 alleles (0.048%); highest among the groups gnomAD compares: Non-Finnish European, 0.059%; 1 homozygote.

Submission:

PreventionGenetics, part of Exact Sciences
Classification: Likely benign for JARID2-related condition. Last evaluated: 2025-07-03. Review status: criteria provided, single submitter. Criteria: ACMG Guidelines, 2015. Collection method: clinical testing. Allele origin: germline.
Comment: This variant is classified as likely benign based on ACMG/AMP sequence variant interpretation guidelines (Richards et al. 2015 PMID: 25741868, with internal and published modifications).

NM_004973.4(JARID2):c.976C>T (p.Arg326Cys)

Gene: JARID2 (jumonji and AT-rich interaction domain containing 2; plus strand). Cytogenetic location: 6p22.3.
Variant type: single nucleotide variant.
Coding change: c.976C>T on transcript NM_004973.4 (MANE Select); coding-DNA position 976, C replaced by T.
Protein change: p.Arg326Cys; replaces arginine 326 with cysteine.
Molecular consequence: missense variant.
Genome position (GRCh38, 1-based): chr6:15,496,201, C>T. VCF-style: chr6-15496201-C-T. GRCh37 (hg19) VCF-style: chr6-15496432-C-T.
Other names: c.460C>T, p.Arg154Cys (NM_001267040.1); short protein forms R326C, R154C.
Identifiers: ClinVar variation 4985577 (VCV004985577.1).